The following is an entry in ClinVar:

ClinVar aggregate classification (germline): Uncertain significance (1 of 4 stars; one submission).

Conditions:
Hereditary cancer-predisposing syndrome. Also called: Tumor predisposition; Hereditary neoplastic syndrome; Neoplastic Syndromes, Hereditary; Hereditary Cancer Syndrome. Identifiers: Orphanet 140162, MedGen C0027672, MeSH D009386, MONDO:0015356.

Submission:

Ambry Genetics
Classification: Uncertain significance for Hereditary cancer-predisposing syndrome. Last evaluated: 2018-08-14. Review status: criteria provided, single submitter. Criteria: Ambry Variant Classification Scheme 2023. Collection method: clinical testing. Allele origin: germline.
Comment: The c.1195_1197delGATinsAAC variant, located in coding exon 10 of the NBN gene, results from an in-frame deletion of GAT and insertion of AAC at nucleotide positions 1195 to 1197. This results in the substitution of the aspartic acid residue for an asparagine residue at codon 399, an amino acid with highly similar properties. This amino acid position is poorly conserved in available vertebrate species. Since supporting evidence is limited at this time, the clinical significance of this alteration remains unclear.

NM_002485.5(NBN):c.1195_1197delinsAAC (p.Asp399Asn)

Gene: NBN (nibrin; minus strand). Cytogenetic location: 8q21.3.
Variant type: Indel.
Coding change: c.1195_1197delinsAAC on transcript NM_002485.5 (MANE Select); coding-DNA positions 1195 to 1197, GAT replaced by AAC.
Protein change: p.Asp399Asn; replaces aspartic acid 399 with asparagine.
Molecular consequence: missense variant.
Genome position (GRCh38, 1-based): chr8:89,955,483-89,955,485, ATC replaced by GTT on the plus strand (GAT replaced by AAC on the coding strand, the reverse complement: NBN is on the minus strand). VCF-style: chr8-89955483-ATC-GTT. GRCh37 (hg19) VCF-style: chr8-90967711-ATC-GTT.
Other names: c.949_951delinsAAC, p.Asp317Asn (NM_001024688.3); short protein forms D399N, D317N.
Identifiers: ClinVar variation 818510 (VCV000818510.4), dbSNP rs1586059342, ClinGen allele CA915945778.